The following is an entry in ClinVar:

ClinVar aggregate classification (germline): Uncertain significance. Review status: criteria provided, multiple submitters, no conflicts (2 of 4 stars). 2 submissions from 2 submitters: Uncertain significance (2). Last evaluated 2025-09-10.

Conditions:
Hereditary cancer-predisposing syndrome. Also called: Tumor predisposition; Hereditary neoplastic syndrome; Neoplastic Syndromes, Hereditary; Hereditary Cancer Syndrome. Identifiers: Orphanet 140162, MedGen C0027672, MeSH D009386, MONDO:0015356.
Familial cancer of breast. Also called: hereditary breast carcinoma; Hereditary breast cancer; BREAST CANCER, FAMILIAL. Identifiers: Orphanet 227535, MedGen C0346153, MONDO:0016419, OMIM 114480. Disease mechanism: loss of function.

Allele frequency attached by ClinVar (database versions not stated): TOPMed below 0.00001; gnomAD 0.00001.
gnomAD v4.1: 1 of 1,613,978 alleles (0.000062%); highest among the groups gnomAD compares: Non-Finnish European, 0.000085%; no homozygotes.

Submissions (2):

Labcorp Genetics (formerly Invitae), Labcorp
Classification: Uncertain significance for Familial cancer of breast. Last evaluated: 2025-09-10. Review status: criteria provided, single submitter. Criteria: Invitae Variant Classification Sherloc (09022015). Collection method: clinical testing. Allele origin: germline.
Comment: This sequence change replaces glutamic acid, which is acidic and polar, with glycine, which is neutral and non-polar, at codon 1010 of the PALB2 protein (p.Glu1010Gly). This variant is not present in population databases (gnomAD no frequency). This variant has not been reported in the literature in individuals affected with PALB2-related conditions. ClinVar contains an entry for this variant (Variation ID: 1498534). Invitae Evidence Modeling of protein sequence and biophysical properties (such as structural, functional, and spatial information, amino acid conservation, physicochemical variation, residue mobility, and thermodynamic stability) has been performed for this missense variant. However, the output from this modeling did not meet the statistical confidence thresholds required to predict the impact of this variant on PALB2 protein function. In summary, the available evidence is currently insufficient to determine the role of this variant in disease. Therefore, it has been classified as a Variant of Uncertain Significance.

Ambry Genetics
Classification: Uncertain significance for Hereditary cancer-predisposing syndrome. Last evaluated: 2025-07-28. Review status: criteria provided, single submitter. Criteria: Ambry Variant Classification Scheme 2023. Collection method: clinical testing. Allele origin: germline.
Comment: The p.E1010G variant (also known as c.3029A>G), located in coding exon 10 of the PALB2 gene, results from an A to G substitution at nucleotide position 3029. The glutamic acid at codon 1010 is replaced by glycine, an amino acid with similar properties. This amino acid position is conserved. In addition, this alteration is predicted to be tolerated by in silico analysis. Based on the available evidence, the clinical significance of this variant remains unclear.

NM_024675.4(PALB2):c.3029A>G (p.Glu1010Gly)

Gene: PALB2 (partner and localizer of BRCA2; minus strand). Cytogenetic location: 16p12.2.
Variant type: single nucleotide variant.
Coding change: c.3029A>G on transcript NM_024675.4 (MANE Select); coding-DNA position 3029, A replaced by G.
Protein change: p.Glu1010Gly; replaces glutamic acid 1010 with glycine.
Molecular consequence: missense variant.
Genome position (GRCh38, 1-based): chr16:23,621,446, T>C on the plus strand (A>G on the coding strand, the complement: PALB2 is on the minus strand). VCF-style: chr16-23621446-T-C. GRCh37 (hg19) VCF-style: chr16-23632767-T-C.
Other names: c.3029A>G (NM_024675.3); short protein forms E1010G.
Identifiers: ClinVar variation 1498534 (VCV001498534.10), dbSNP rs1228569190, ClinGen allele CA395143094.